The following is an entry in ClinVar:

ClinVar aggregate classification (germline): Uncertain significance. Review status: criteria provided, multiple submitters, no conflicts (2 of 4 stars). 2 submissions from 2 submitters: Uncertain significance (2). Last evaluated 2025-10-30.

Conditions:
Inborn genetic diseases. Identifiers: MedGen C0950123, MeSH D030342.

gnomAD v4.1: 3 of 1,614,110 alleles (0.00019%); highest among the groups gnomAD compares: Non-Finnish European, 0.00025%; no homozygotes.

Submissions (2):

Ambry Genetics
Classification: Uncertain significance for Inborn genetic diseases. Last evaluated: 2025-10-30. Review status: criteria provided, single submitter. Criteria: Ambry Variant Classification Scheme 2023. Collection method: clinical testing. Allele origin: germline.

Women's Health and Genetics/Laboratory Corporation of America, LabCorp
Classification: Uncertain significance. Last evaluated: 2024-05-21. Review status: criteria provided, single submitter. Criteria: LabCorp Variant Classification Summary - May 2015. Collection method: clinical testing. Allele origin: germline.
Comment: Variant summary: PPM1D c.1113A>G (p.Ile371Met) results in a conservative amino acid change in the encoded protein sequence. Three of five in-silico tools predict a damaging effect of the variant on protein function. The variant was absent in 251424 control chromosomes. The available data on variant occurrences in the general population are insufficient to allow any conclusion about variant significance. To our knowledge, no occurrence of c.1113A>G in individuals affected with Intellectual Developmental Disorder With Gastrointestinal Difficulties And High Pain Threshold (Jansen De Vries Syndrome) and no experimental evidence demonstrating its impact on protein function have been reported. No submitters have cited clinical-significance assessments for this variant to ClinVar. Based on the evidence outlined above, the variant was classified as uncertain significance.

NM_003620.4(PPM1D):c.1113A>G (p.Ile371Met)

Gene: PPM1D (protein phosphatase, Mg2+/Mn2+ dependent 1D; plus strand). Cytogenetic location: 17q23.2.
Variant type: single nucleotide variant.
Coding change: c.1113A>G on transcript NM_003620.4 (MANE Select); coding-DNA position 1113, A replaced by G.
Protein change: p.Ile371Met; replaces isoleucine 371 with methionine.
Molecular consequence: missense variant.
Genome position (GRCh38, 1-based): chr17:60,656,694, A>G. VCF-style: chr17-60656694-A-G. GRCh37 (hg19) VCF-style: chr17-58734055-A-G.
Other names: short protein forms I371M.
Identifiers: ClinVar variation 3336472 (VCV003336472.2).
Genomic context (GRCh38, chr17:60,656,694, plus strand): 5'-GAATCGAGCATTGGGCCGCTGGAGGCAGCGTATGCTCCGAGCAGATAACACTAGTGCCAT[A>G]GTAATCTGCATCTCTCCAGAAGTGGACAATCAGGGAAACTTTACCAATGAAGATGAGTTA-3'
Protein context (NP_003611.1, residues 361-381): RMLRADNTSA[Ile371Met]VICISPEVDN